The following is an entry in ClinVar:

NM_153717.3(EVC):c.580C>T (p.Arg194Trp)

Gene: EVC (EvC ciliary complex subunit 1; plus strand). Cytogenetic location: 4p16.2.
Variant type: single nucleotide variant.
Coding change: c.580C>T on transcript NM_153717.3 (MANE Select); coding-DNA position 580, C replaced by T.
Protein change: p.Arg194Trp; replaces arginine 194 with tryptophan.
Molecular consequence: missense variant.
Genome position (GRCh38, 1-based): chr4:5,731,620, C>T. VCF-style: chr4-5731620-C-T. GRCh37 (hg19) VCF-style: chr4-5733347-C-T.
Other names: c.580C>T, p.Arg194Trp (NM_001306090.2, NM_001306092.2); short protein forms R194W.
Identifiers: ClinVar variation 990322 (VCV000990322.4), dbSNP rs757990300, ClinGen allele CA2835737.
Genomic context (GRCh38, chr4:5,731,620, plus strand): 5'-TCCTCATCCAGCGTCCACTCGGCCACCAGCGATGACAGGTTTCTCAGCCGCACCTTCCTC[C>T]GGGTGAACGCCTTCCCTGAAGTGCTGGCCTGCGAGAGGTAAGGAGAGCGGGCAATGGAGG-3'
Protein context (NP_714928.1, residues 184-204): DDRFLSRTFL[Arg194Trp]VNAFPEVLAC

ClinVar aggregate classification (germline): Uncertain significance. Review status: criteria provided, multiple submitters, no conflicts (2 of 4 stars). 3 submissions from 3 submitters: Uncertain significance (2). 1 of the submissions does not count toward it. Last evaluated 2022-03-18.

Conditions:
Ellis-van Creveld syndrome (EVC). Also called: EVC-Related Ellis-van Creveld Syndrome; EVC2-Related Ellis-van Creveld Syndrome; Chondroectodermal dysplasia; MESOECTODERMAL DYSPLASIA. Identifiers: Orphanet 289, MedGen C0013903, MONDO:0009162, OMIM 225500.
Curry-Hall syndrome (WAD). Also called: WEYERS ACRODENTAL DYSOSTOSIS. Identifiers: Orphanet 952, MedGen C0457013, MONDO:0008673, OMIM 193530.

Allele frequency attached by ClinVar (database versions not stated): ExAC 0.00002; gnomAD exomes 0.00002; TOPMed 0.00002; gnomAD 0.00004 and 0.00005.
gnomAD v4.1: 79 of 1,614,036 alleles (0.0049%); highest among the groups gnomAD compares: Middle Eastern, 0.016%; no homozygotes.

Submissions (3):

Fulgent Genetics
Classification: Uncertain significance for Curry-Hall syndrome; Ellis-van Creveld syndrome. Last evaluated: 2022-03-18. Review status: criteria provided, single submitter. Criteria: ACMG Guidelines, 2015. Collection method: clinical testing. Allele origin: unknown.

Labcorp Genetics (formerly Invitae), Labcorp
Classification: Uncertain significance for Curry-Hall syndrome; Ellis-van Creveld syndrome. Last evaluated: 2021-09-02. Review status: criteria provided, single submitter. Criteria: Invitae Variant Classification Sherloc (09022015). Collection method: clinical testing. Allele origin: germline.
Comment: This sequence change replaces arginine with tryptophan at codon 194 of the EVC protein (p.Arg194Trp). The arginine residue is moderately conserved and there is a moderate physicochemical difference between arginine and tryptophan. This variant is present in population databases (rs757990300, ExAC 0.003%). This variant has not been reported in the literature in individuals affected with EVC-related conditions. Algorithms developed to predict the effect of missense changes on protein structure and function are either unavailable or do not agree on the potential impact of this missense change (SIFT: "Deleterious"; PolyPhen-2: "Possibly Damaging"; Align-GVGD: "Class C0"). In summary, the available evidence is currently insufficient to determine the role of this variant in disease. Therefore, it has been classified as a Variant of Uncertain Significance.

Natera, Inc.
Classification: Uncertain significance for Ellis-van Creveld syndrome. Last evaluated: 2020-04-01. Review status: no assertion criteria provided. Collection method: clinical testing. Allele origin: germline. Not counted in ClinVar's aggregate classification.